The following is an entry in ClinVar:

NM_001875.5(CPS1):c.2738C>A (p.Ser913Ter)

Gene: CPS1 (carbamoyl-phosphate synthase 1; plus strand). Cytogenetic location: 2q34.
Variant type: single nucleotide variant.
Coding change: c.2738C>A on transcript NM_001875.5 (MANE Select); coding-DNA position 2738, C replaced by A.
Protein change: p.Ser913Ter; replaces serine 913 with a stop codon.
Molecular consequence: nonsense. On other transcripts: non-coding transcript variant (2).
Genome position (GRCh38, 1-based): chr2:210,637,752, C>A. VCF-style: chr2-210637752-C-A. GRCh37 (hg19) VCF-style: chr2-211502476-C-A.
Other names: c.2738C>A, p.Ser913Ter (NM_001122633.3, NM_001369257.1); c.2771C>A, p.Ser924Ter (NM_001369256.1); short protein forms S913*, S924*.
Identifiers: ClinVar variation 983628 (VCV000983628.3), dbSNP rs754706559, ClinGen allele CA350430958.

ClinVar aggregate classification (germline): Likely pathogenic (1 of 4 stars; one submission).

Conditions:
Congenital hyperammonemia, type I. Also called: Carbamoyl phosphate synthetase I deficiency disease; Carbamoyl phosphate synthetase 1 deficiency; Hyperammonemia due to carbamoyl phosphate synthetase 1 deficiency; CPS 1 deficiency; Carbamyl phosphate synthetase (CPS) deficiency; Carbamoyl-phosphate synthase I deficiency. Identifiers: Orphanet 147, MedGen C4082171, MONDO:0009376, OMIM 237300.

Submission:

Myriad Genetics, Inc.
Classification: Likely pathogenic for Congenital hyperammonemia, type I. Last evaluated: 2019-05-04. Review status: criteria provided, single submitter. Criteria: Myriad Women's Health Autosomal Recessive and X-Linked Classification Criteria (2019). Collection method: clinical testing. Allele origin: unknown.
Comment: NM_001875.4(CPS1):c.2738C>A(S913*) is expected to be pathogenic in the context of carbamoylphosphate synthetase I deficiency. This variant is predicted to lead to an abnormal or absent protein product due to the creation of a premature termination codon in CPS1, a gene where loss-of-function variants are known to be pathogenic. Please note: this variant was assessed in the context of healthy population screening.